The following is an entry in ClinVar:

ClinVar aggregate classification (germline): Uncertain significance. Review status: criteria provided, multiple submitters, no conflicts (2 of 4 stars). 3 submissions from 3 submitters: Uncertain significance (3). Last evaluated 2026-01-11.

Conditions:
Neurofibromatosis, type 1 (NF1). Also called: NEUROFIBROMATOSIS, TYPE I, SOMATIC; Peripheral type neurofibromatosis; VON RECKLINGHAUSEN DISEASE; Neurofibromatosis, type I. Identifiers: Orphanet 636, MedGen C0027831, MONDO:0018975, OMIM 162200. Disease mechanism: loss of function.
Juvenile myelomonocytic leukemia (JMML). Also called: LEUKEMIA, JUVENILE MYELOMONOCYTIC, SOMATIC. Identifiers: Orphanet 86834, MedGen C0349639, MONDO:0011908, OMIM 607785, HP:0012209.
Hereditary cancer. Identifiers: MedGen C1333600.

gnomAD v4.1: 1 of 1,613,886 alleles (0.000062%); highest among the groups gnomAD compares: Admixed American, 0.0017%; no homozygotes.

Submissions (3):

Labcorp Genetics (formerly Invitae), Labcorp
Classification: Uncertain significance for Neurofibromatosis, type 1. Last evaluated: 2026-01-11. Review status: criteria provided, single submitter. Criteria: Invitae Variant Classification Sherloc (09022015). Collection method: clinical testing. Allele origin: germline.
Comment: This sequence change replaces histidine, which is basic and polar, with proline, which is neutral and non-polar, at codon 647 of the NF1 protein (p.His647Pro). This variant is not present in population databases (gnomAD no frequency). This variant has not been reported in the literature in individuals affected with NF1-related conditions. ClinVar contains an entry for this variant (Variation ID: 1005455). Invitae Evidence Modeling of protein sequence and biophysical properties (such as structural, functional, and spatial information, amino acid conservation, physicochemical variation, residue mobility, and thermodynamic stability) indicates that this missense variant is not expected to disrupt NF1 protein function with a negative predictive value of 95%. In summary, the available evidence is currently insufficient to determine the role of this variant in disease. Therefore, it has been classified as a Variant of Uncertain Significance.

Mendelics
Classification: Uncertain significance for Hereditary cancer. Last evaluated: 2024-01-23. Review status: criteria provided, single submitter. Criteria: ACMG Guidelines, 2015. Collection method: clinical testing. Allele origin: unknown.

Baylor Genetics
Classification: Uncertain significance for Juvenile myelomonocytic leukemia. Last evaluated: 2023-08-18. Review status: criteria provided, single submitter. Criteria: ACMG Guidelines, 2015. Collection method: clinical testing. Allele origin: unknown.

NM_001042492.3(NF1):c.1940A>C (p.His647Pro)

Gene: NF1 (neurofibromin 1; plus strand). Cytogenetic location: 17q11.2.
Variant type: single nucleotide variant.
Coding change: c.1940A>C on transcript NM_001042492.3 (MANE Select); coding-DNA position 1940, A replaced by C.
Protein change: p.His647Pro; replaces histidine 647 with proline.
Molecular consequence: missense variant.
Genome position (GRCh38, 1-based): chr17:31,225,189, A>C. VCF-style: chr17-31225189-A-C. GRCh37 (hg19) VCF-style: chr17-29552207-A-C.
Other names: c.1940A>C, p.His647Pro (NM_000267.4); short protein forms H647P.
Identifiers: ClinVar variation 1005455 (VCV001005455.7), dbSNP rs1170252879, ClinGen allele CA399005427.